The following is an entry in ClinVar:

ClinVar aggregate classification (germline): Uncertain significance (1 of 4 stars; one submission).

Conditions:
Inborn genetic diseases. Identifiers: MedGen C0950123, MeSH D030342.

gnomAD v4.1: 4 of 1,590,552 alleles (0.00025%); highest among the groups gnomAD compares: African/African-American, 0.0041%; no homozygotes.

Submission:

Ambry Genetics
Classification: Uncertain significance for Inborn genetic diseases. Last evaluated: 2026-03-29. Review status: criteria provided, single submitter. Criteria: Ambry Variant Classification Scheme 2023. Collection method: clinical testing. Allele origin: germline.
Comment: The p.T295I variant (also known as c.884C>T) is located in coding exon 7 of the KDM1A gene. The threonine at codon 295 is replaced by isoleucine, an amino acid with similar properties. This change occurs in the first base pair of coding exon 7. This amino acid position is conserved. In addition, this alteration is predicted to be tolerated by in silico analysis. Based on the available evidence, the clinical significance of this variant remains unclear.

NM_001009999.3(KDM1A):c.884C>T (p.Thr295Ile)

Gene: KDM1A (lysine demethylase 1A; plus strand). Cytogenetic location: 1p36.12.
Variant type: single nucleotide variant.
Coding change: c.884C>T on transcript NM_001009999.3 (MANE Select); coding-DNA position 884, C replaced by T.
Protein change: p.Thr295Ile; replaces threonine 295 with isoleucine.
Molecular consequence: missense variant.
Genome position (GRCh38, 1-based): chr1:23,055,932, C>T. VCF-style: chr1-23055932-C-T. GRCh37 (hg19) VCF-style: chr1-23382425-C-T.
Other names: c.824C>T, p.Thr275Ile (NM_001363654.2, NM_001410763.1, NM_015013.4); c.884C>T, p.Thr295Ile (NM_001410762.1); short protein forms T275I, T295I.
Identifiers: ClinVar variation 4858702 (VCV004858702.1).